The following is an entry in ClinVar:

ClinVar aggregate classification (germline): Uncertain significance (1 of 4 stars; one submission).

Conditions:
Inborn genetic diseases. Identifiers: MedGen C0950123, MeSH D030342.

Submission:

Ambry Genetics
Classification: Uncertain significance for Inborn genetic diseases. Last evaluated: 2024-06-15. Review status: criteria provided, single submitter. Criteria: Ambry Variant Classification Scheme 2023. Collection method: clinical testing. Allele origin: germline.
Comment: The p.T2223N variant (also known as c.6668C>A), located in coding exon 45 of the LRRK2 gene, results from a C to A substitution at nucleotide position 6668. The threonine at codon 2223 is replaced by asparagine, an amino acid with similar properties. This amino acid position is conserved. In addition, this alteration is predicted to be tolerated by in silico analysis. Based on the available evidence, the clinical significance of this variant remains unclear.

NM_198578.4(LRRK2):c.6668C>A (p.Thr2223Asn)

Gene: LRRK2 (leucine rich repeat kinase 2; plus strand). Cytogenetic location: 12q12.
Variant type: single nucleotide variant.
Coding change: c.6668C>A on transcript NM_198578.4 (MANE Select); coding-DNA position 6668, C replaced by A.
Protein change: p.Thr2223Asn; replaces threonine 2223 with asparagine.
Molecular consequence: missense variant.
Genome position (GRCh38, 1-based): chr12:40,354,390, C>A. VCF-style: chr12-40354390-C-A. GRCh37 (hg19) VCF-style: chr12-40748192-C-A.
Other names: short protein forms T2223N.
Identifiers: ClinVar variation 3292072 (VCV003292072.1).